The following is an entry in ClinVar:

ClinVar aggregate classification (germline): Likely benign (3 of 4 stars; one submission).

Conditions:
PIK3R1-related immunodeficiency and SHORT syndrome. Identifiers: MedGen CN379774, MONDO:1060136.

gnomAD v4.1: 4 of 1,434,166 alleles (0.00028%); highest among the groups gnomAD compares: South Asian, 0.0012%; no homozygotes.

Submission:

ClinGen Primary Immune Regulatory Disorders Variant Curation Expert Panel, ClinGen
Classification: Likely benign for PIK3R1-related immunodeficiency and SHORT syndrome. Last evaluated: 2026-05-19. Review status: reviewed by expert panel. Criteria: ClinGen AbDef ACMG Specifications PIK3R1 V1.0.0. Collection method: curation. Allele origin: germline. Inheritance: Autosomal dominant inheritance.
Comment: NM_181523.3(PIK3R1):c.1300-3T>C is a variant in intron 10 located near the canonical splice donor site adjacent to exon 11. This variant is present in gnomAD v4.1.0 at a total allele frequency of 0.000002789, with 4 alleles / 1,434,166 total alleles across all populations of gnomAD, which is higher than the ClinGen Antibody Deficiencies PM2_Supporting threshold of <0.00000132. This variant is present in gnomAD v4.1.0 at a GrpMax allele frequency of 0.00000032, with 2 alleles / 1,038,210 total alleles in the European (non-Finnish) population, which is lower than the ClinGen Antibody Deficiencies VCEP BS1 threshold of >0.000316, so no population code is met. No cases of this variant segregating in PIK3R1-related immunodeficiency and SHORT syndrome were found in the literature. The splicing impact predictor SpliceAI gives a delta score of 0.00 for all splicing events, which is below the ClinGen Antibody Deficiencies VCEP recommended threshold of <0.1 and does not predict an impact on splicing (BP4). In summary, this variant meets the criteria to be classified as likely benign for autosomal dominant PIK3R1-related immunodeficiency and SHORT syndrome based on the ACMG/AMP criteria applied, as specified by the ClinGen Antibody Deficiencies VCEP: BP4. (VCEP specifications version 1.0.0; date of approval 04/29/2026).

NM_181523.3(PIK3R1):c.1300-3T>C

Gene: PIK3R1 (phosphoinositide-3-kinase regulatory subunit 1; plus strand). Cytogenetic location: 5q13.1.
Variant type: single nucleotide variant.
Coding change: c.1300-3T>C on transcript NM_181523.3 (MANE Select); 3 bases into the intron before coding-DNA position 1300, T replaced by C.
Molecular consequence: intron variant.
Genome position (GRCh38, 1-based): chr5:68,293,706, T>C. VCF-style: chr5-68293706-T-C. GRCh37 (hg19) VCF-style: chr5-67589534-T-C.
Other names: NM_181524.2:c.400-3T>C; c.400-3T>C (NM_181524.2); c.490-3T>C (NM_181504.4); c.211-3T>C (NM_001242466.2).
Identifiers: ClinVar variation 4857719 (VCV004857719.1).